The following is an entry in ClinVar:

ClinVar aggregate classification (germline): Uncertain significance. Review status: criteria provided, multiple submitters, no conflicts (2 of 4 stars). 2 submissions from 2 submitters: Uncertain significance (2). Last evaluated 2025-11-11.

gnomAD v4.1: 5 of 1,534,076 alleles (0.00033%); highest among the groups gnomAD compares: Admixed American, 0.0039%; no homozygotes.

Submissions (2):

Women's Health and Genetics/Laboratory Corporation of America, LabCorp
Classification: Uncertain significance. Last evaluated: 2025-11-11. Review status: criteria provided, single submitter. Criteria: LabCorp Variant Classification Summary - May 2015. Collection method: clinical testing. Allele origin: germline.
Comment: Variant summary: ZFHX2 c.2804A>G (p.Lys935Arg) results in a conservative amino acid change in the encoded protein sequence. Algorithms developed to predict the effect of missense changes on protein structure and function are either unavailable or do not agree on the potential impact of this missense change. The variant allele was found at a frequency of 3e-05 in 134486 control chromosomes. The available data on variant occurrences in the general population are insufficient to allow any conclusion about variant significance. To our knowledge, no occurrence of c.2804A>G in individuals affected with ZFHX2-related conditions and no experimental evidence demonstrating its impact on protein function have been reported. ClinVar contains an entry for this variant (Variation ID: 4205060). Based on the evidence outlined above, the variant was classified as uncertain significance.

Ambry Genetics
Classification: Uncertain significance. Last evaluated: 2025-07-15. Review status: criteria provided, single submitter. Criteria: Ambry Variant Classification Scheme 2023. Collection method: clinical testing. Allele origin: germline.

NM_033400.3(ZFHX2):c.2804A>G (p.Lys935Arg)

Genes: THTPA (thiamine triphosphatase; plus strand), ZFHX2 (zinc finger homeobox 2; minus strand). Cytogenetic location: 14q11.2.
Variant type: single nucleotide variant.
Coding change: c.2804A>G on transcript NM_033400.3 (MANE Select); coding-DNA position 2804, A replaced by G.
Protein change: p.Lys935Arg; replaces lysine 935 with arginine.
Molecular consequence: missense variant.
Genome position (GRCh38, 1-based): chr14:23,530,191, T>C on the plus strand (A>G on the coding strand, the complement: ZFHX2 is on the minus strand). VCF-style: chr14-23530191-T-C. GRCh37 (hg19) VCF-style: chr14-23999400-T-C.
Other names: short protein forms K935R.
Identifiers: ClinVar variation 4205060 (VCV004205060.2).